The following is an entry in ClinVar:

ClinVar aggregate classification (germline): Uncertain significance. Review status: criteria provided, multiple submitters, no conflicts (2 of 4 stars). 2 submissions from 2 submitters: Uncertain significance (2). Last evaluated 2022-12-25.

Allele frequency attached by ClinVar (database versions not stated): gnomAD exomes below 0.00001.
gnomAD v4.1: 2 of 1,613,636 alleles (0.00012%); highest among the groups gnomAD compares: Non-Finnish European, 0.00017%; no homozygotes.

Submissions (2):

Labcorp Genetics (formerly Invitae), Labcorp
Classification: Uncertain significance. Last evaluated: 2022-12-25. Review status: criteria provided, single submitter. Criteria: Invitae Variant Classification Sherloc (09022015). Collection method: clinical testing. Allele origin: germline.
Comment: This sequence change creates a premature translational stop signal (p.Leu594*) in the SAMD9 gene. While this is not anticipated to result in nonsense mediated decay, it is expected to disrupt the last 996 amino acid(s) of the SAMD9 protein. This variant is present in population databases (no rsID available, gnomAD 0.0009%). This variant has not been reported in the literature in individuals affected with SAMD9-related conditions. ClinVar contains an entry for this variant (Variation ID: 1685084). Experimental studies and prediction algorithms are not available or were not evaluated, and the functional significance of this variant is currently unknown. In summary, the available evidence is currently insufficient to determine the role of this variant in disease. Therefore, it has been classified as a Variant of Uncertain Significance.

Mendelics
Classification: Uncertain significance. Last evaluated: 2022-05-04. Review status: criteria provided, single submitter. Criteria: Mendelics Assertion Criteria 2019. Collection method: clinical testing. Allele origin: germline.

NM_017654.4(SAMD9):c.1781T>G (p.Leu594Ter)

Gene: SAMD9 (sterile alpha motif domain containing 9; minus strand). Cytogenetic location: 7q21.2.
Variant type: single nucleotide variant.
Coding change: c.1781T>G on transcript NM_017654.4 (MANE Select); coding-DNA position 1781, T replaced by G.
Protein change: p.Leu594Ter; replaces leucine 594 with a stop codon.
Molecular consequence: nonsense.
Genome position (GRCh38, 1-based): chr7:93,104,317, A>C on the plus strand (T>G on the coding strand, the complement: SAMD9 is on the minus strand). VCF-style: chr7-93104317-A-C. GRCh37 (hg19) VCF-style: chr7-92733630-A-C.
Other names: c.1781T>G, p.Leu594Ter (NM_001193307.2); short protein forms L594*.
Identifiers: ClinVar variation 1685084 (VCV001685084.4), dbSNP rs1282838740, ClinGen allele CA368194710.